The following is an entry in ClinVar:

NM_016169.4(SUFU):c.661G>A (p.Glu221Lys)

Gene: SUFU (SUFU negative regulator of hedgehog signaling; plus strand). Cytogenetic location: 10q24.32.
Variant type: single nucleotide variant.
Coding change: c.661G>A on transcript NM_016169.4 (MANE Select); coding-DNA position 661, G replaced by A.
Protein change: p.Glu221Lys; replaces glutamic acid 221 with lysine.
Molecular consequence: missense variant.
Genome position (GRCh38, 1-based): chr10:102,593,699, G>A. VCF-style: chr10-102593699-G-A. GRCh37 (hg19) VCF-style: chr10-104353456-G-A.
Other names: c.661G>A, p.Glu221Lys (NM_001178133.2); short protein forms E221K.
Identifiers: ClinVar variation 1754516 (VCV001754516.5), dbSNP rs2545084934, ClinGen allele CA377909587.

ClinVar aggregate classification (germline): Uncertain significance. Review status: criteria provided, multiple submitters, no conflicts (2 of 4 stars). 2 submissions from 2 submitters: Uncertain significance (2). Last evaluated 2023-04-24.

Conditions:
Hereditary cancer-predisposing syndrome. Also called: Neoplastic Syndromes, Hereditary; Tumor predisposition; Hereditary neoplastic syndrome; Hereditary Cancer Syndrome. Identifiers: Orphanet 140162, MedGen C0027672, MeSH D009386, MONDO:0015356.
Medulloblastoma (MDB). Also called: MEDULLOBLASTOMA PREDISPOSITION SYNDROME; Medulloblastoma, somatic. Identifiers: Orphanet 616, MedGen C0025149, MeSH D008527, MONDO:0007959, OMIM 155255, HP:0002885.
Gorlin syndrome. Also called: Nevoid Basal Cell Carcinoma Syndrome; Basal cell nevus syndrome. Identifiers: Orphanet 377, MedGen C0004779, MONDO:0007187.

Submissions (2):

Labcorp Genetics (formerly Invitae), Labcorp
Classification: Uncertain significance for Gorlin syndrome; Medulloblastoma. Last evaluated: 2023-04-24. Review status: criteria provided, single submitter. Criteria: Invitae Variant Classification Sherloc (09022015). Collection method: clinical testing. Allele origin: germline.
Comment: This sequence change replaces glutamic acid, which is acidic and polar, with lysine, which is basic and polar, at codon 221 of the SUFU protein (p.Glu221Lys). This variant is not present in population databases (gnomAD no frequency). In summary, the available evidence is currently insufficient to determine the role of this variant in disease. Therefore, it has been classified as a Variant of Uncertain Significance. Advanced modeling of protein sequence and biophysical properties (such as structural, functional, and spatial information, amino acid conservation, physicochemical variation, residue mobility, and thermodynamic stability) performed at Invitae indicates that this missense variant is not expected to disrupt SUFU protein function. ClinVar contains an entry for this variant (Variation ID: 1754516). This variant has not been reported in the literature in individuals affected with SUFU-related conditions.

Ambry Genetics
Classification: Uncertain significance for Hereditary cancer-predisposing syndrome. Last evaluated: 2022-02-07. Review status: criteria provided, single submitter. Criteria: Ambry Variant Classification Scheme 2023. Collection method: clinical testing. Allele origin: germline.
Comment: The p.E221K variant (also known as c.661G>A), located in coding exon 5 of the SUFU gene, results from a G to A substitution at nucleotide position 661. The glutamic acid at codon 221 is replaced by lysine, an amino acid with similar properties. This amino acid position is highly conserved in available vertebrate species. In addition, the in silico prediction for this alteration is inconclusive. Since supporting evidence is limited at this time, the clinical significance of this alteration remains unclear.